The following is an entry in ClinVar:

NM_020297.4(ABCC9):c.3283C>T (p.Arg1095Cys)

Gene: ABCC9 (ATP binding cassette subfamily C member 9; minus strand). Cytogenetic location: 12p12.1.
Variant type: single nucleotide variant.
Coding change: c.3283C>T on transcript NM_020297.4 (MANE Select); coding-DNA position 3283, C replaced by T.
Protein change: p.Arg1095Cys; replaces arginine 1095 with cysteine.
Molecular consequence: missense variant.
Genome position (GRCh38, 1-based): chr12:21,844,515, G>A on the plus strand (C>T on the coding strand, the complement: ABCC9 is on the minus strand). VCF-style: chr12-21844515-G-A. GRCh37 (hg19) VCF-style: chr12-21997449-G-A.
Other names: c.3283C>T, p.Arg1095Cys (NM_001377273.1, NM_005691.4); c.2416C>T, p.Arg806Cys (NM_001377274.1); short protein forms R1095C, R806C.
Identifiers: ClinVar variation 1030958 (VCV001030958.6), dbSNP rs752450127, ClinGen allele CA6481143.

ClinVar aggregate classification (germline): Uncertain significance. Review status: criteria provided, multiple submitters, no conflicts (2 of 4 stars). 4 submissions from 4 submitters: Uncertain significance (4). Last evaluated 2023-10-21.

Conditions:
Atrial fibrillation, familial, 12 (ATFB12). Identifiers: MedGen C3279695, MONDO:0013545, OMIM 614050.
Cardiovascular phenotype. Identifiers: MedGen CN230736.
Dilated cardiomyopathy 1O (CMD1O). Also called: CARDIOMYOPATHY, DILATED, WITH VENTRICULAR TACHYCARDIA. Identifiers: Orphanet 154, MedGen C1837839, MONDO:0012062, OMIM 608569.

Allele frequency attached by ClinVar (database versions not stated): gnomAD 0.00001; TOPMed 0.00001; ExAC 0.00002.
gnomAD v4.1: 19 of 1,613,602 alleles (0.0012%); highest among the groups gnomAD compares: Admixed American, 0.0033%; no homozygotes.

Submissions (4):

Ambry Genetics
Classification: Uncertain significance for Cardiovascular phenotype. Last evaluated: 2023-10-21. Review status: criteria provided, single submitter. Criteria: Ambry Variant Classification Scheme 2023. Collection method: clinical testing. Allele origin: germline.
Comment: The p.R1095C variant (also known as c.3283C>T), located in coding exon 26 of the ABCC9 gene, results from a C to T substitution at nucleotide position 3283. The arginine at codon 1095 is replaced by cysteine, an amino acid with highly dissimilar properties. This amino acid position is highly conserved in available vertebrate species. In addition, this alteration is predicted to be deleterious by in silico analysis. Since supporting evidence is limited at this time, the clinical significance of this alteration remains unclear.

Labcorp Genetics (formerly Invitae), Labcorp
Classification: Uncertain significance for Dilated cardiomyopathy 1O. Last evaluated: 2023-09-10. Review status: criteria provided, single submitter. Criteria: Invitae Variant Classification Sherloc (09022015). Collection method: clinical testing. Allele origin: germline.
Comment: This sequence change replaces arginine, which is basic and polar, with cysteine, which is neutral and slightly polar, at codon 1095 of the ABCC9 protein (p.Arg1095Cys). In summary, the available evidence is currently insufficient to determine the role of this variant in disease. Therefore, it has been classified as a Variant of Uncertain Significance. Algorithms developed to predict the effect of sequence changes on RNA splicing suggest that this variant may disrupt the consensus splice site. Advanced modeling of protein sequence and biophysical properties (such as structural, functional, and spatial information, amino acid conservation, physicochemical variation, residue mobility, and thermodynamic stability) performed at Invitae indicates that this missense variant is expected to disrupt ABCC9 protein function. ClinVar contains an entry for this variant (Variation ID: 1030958). This variant has not been reported in the literature in individuals affected with ABCC9-related conditions. This variant is present in population databases (rs752450127, gnomAD 0.007%).

Baylor Genetics
Classification: Uncertain significance for Atrial fibrillation, familial, 12. Last evaluated: 2020-01-31. Review status: criteria provided, single submitter. Criteria: ACMG Guidelines, 2015. Collection method: clinical testing. Allele origin: unknown. Affected: yes.
Comment: This variant was determined to be of uncertain significance according to ACMG Guidelines, 2015 [PMID:25741868].

Blueprint Genetics
Classification: Uncertain significance. Last evaluated: 2020-01-30. Review status: criteria provided, single submitter. Criteria: ACMG Guidelines, 2015. Collection method: clinical testing. Allele origin: germline.